The following is an entry in ClinVar:

ClinVar aggregate classification (germline): Uncertain significance. Review status: criteria provided, multiple submitters, no conflicts (2 of 4 stars). 2 submissions from 2 submitters: Uncertain significance (2). Last evaluated 2025-09-10.

Conditions:
Juvenile polyposis syndrome (JPS). Identifiers: Orphanet 2929, MedGen C0345893, MONDO:0017380, OMIM 174900.
Hereditary cancer-predisposing syndrome. Also called: Tumor predisposition; Neoplastic Syndromes, Hereditary; Hereditary Cancer Syndrome; Hereditary neoplastic syndrome. Identifiers: Orphanet 140162, MedGen C0027672, MeSH D009386, MONDO:0015356.
Familial thoracic aortic aneurysm and aortic dissection (TAAD). Also called: Thoracic aortic aneurysms and dissections. Identifiers: Orphanet 91387, MedGen C4707243, MONDO:0019625.

Allele frequency attached by ClinVar (database versions not stated): gnomAD exomes below 0.00001; ExAC 0.00001; gnomAD 0.00001.
gnomAD v4.1: 2 of 1,613,824 alleles (0.00012%); highest among the groups gnomAD compares: Non-Finnish European, 0.000085%; no homozygotes.

Submissions (2):

Labcorp Genetics (formerly Invitae), Labcorp
Classification: Uncertain significance for Juvenile polyposis syndrome. Last evaluated: 2025-09-10. Review status: criteria provided, single submitter. Criteria: Invitae Variant Classification Sherloc (09022015). Collection method: clinical testing. Allele origin: germline.
Comment: This sequence change replaces leucine, which is neutral and non-polar, with valine, which is neutral and non-polar, at codon 47 of the SMAD4 protein (p.Leu47Val). This variant is present in population databases (rs770789755, gnomAD 0.004%). This variant has not been reported in the literature in individuals affected with SMAD4-related conditions. ClinVar contains an entry for this variant (Variation ID: 1771722). Invitae Evidence Modeling of protein sequence and biophysical properties (such as structural, functional, and spatial information, amino acid conservation, physicochemical variation, residue mobility, and thermodynamic stability) has been performed for this missense variant. However, the output from this modeling did not meet the statistical confidence thresholds required to predict the impact of this variant on SMAD4 protein function. In summary, the available evidence is currently insufficient to determine the role of this variant in disease. Therefore, it has been classified as a Variant of Uncertain Significance.

Ambry Genetics
Classification: Uncertain significance for Hereditary cancer-predisposing syndrome; Familial thoracic aortic aneurysm and aortic dissection. Last evaluated: 2022-05-26. Review status: criteria provided, single submitter. Criteria: Ambry Variant Classification Scheme 2023. Collection method: clinical testing. Allele origin: germline.
Comment: The p.L47V variant (also known as c.139C>G), located in coding exon 1 of the SMAD4 gene, results from a C to G substitution at nucleotide position 139. The leucine at codon 47 is replaced by valine, an amino acid with highly similar properties. This amino acid position is highly conserved in available vertebrate species. In addition, this alteration is predicted to be deleterious by in silico analysis. Since supporting evidence is limited at this time, the clinical significance of this alteration remains unclear.

NM_005359.6(SMAD4):c.139C>G (p.Leu47Val)

Gene: SMAD4 (SMAD family member 4; plus strand). Cytogenetic location: 18q21.2.
Variant type: single nucleotide variant.
Coding change: c.139C>G on transcript NM_005359.6 (MANE Select); coding-DNA position 139, C replaced by G.
Protein change: p.Leu47Val; replaces leucine 47 with valine.
Molecular consequence: missense variant.
Genome position (GRCh38, 1-based): chr18:51,047,185, C>G. VCF-style: chr18-51047185-C-G. GRCh37 (hg19) VCF-style: chr18-48573555-C-G.
Other names: c.139C>G, p.Leu47Val (NM_001407041.1, NM_001407042.1, NM_001407043.1); short protein forms L47V.
Identifiers: ClinVar variation 1771722 (VCV001771722.3), dbSNP rs770789755, ClinGen allele CA8965729.